The following is an entry in ClinVar:

NM_031418.4(ANO3):c.591+4G>C

Gene: ANO3 (anoctamin 3; plus strand). Cytogenetic location: 11p14.2.
Variant type: single nucleotide variant.
Coding change: c.591+4G>C on transcript NM_031418.4 (MANE Select); 4 bases into the intron after coding-DNA position 591, G replaced by C.
Molecular consequence: intron variant.
Genome position (GRCh38, 1-based): chr11:26,508,266, G>C. VCF-style: chr11-26508266-G-C. GRCh37 (hg19) VCF-style: chr11-26529813-G-C.
Other names: c.774+4G>C (NM_001313726.2); c.153+4G>C (NM_001313727.2).
Identifiers: ClinVar variation 639759 (VCV000639759.8), dbSNP rs375570481, ClinGen allele CA219419162.

ClinVar aggregate classification (germline): Uncertain significance (1 of 4 stars; one submission).

Conditions:
Dystonic disorder. Also called: Dystonia. Identifiers: MedGen C0013421, MONDO:0003441, HP:0001332.

Allele frequency attached by ClinVar (database versions not stated): TOPMed 0.00002.
gnomAD v4.1: 11 of 1,580,328 alleles (0.0007%); highest among the groups gnomAD compares: African/African-American, 0.0069%; no homozygotes.

Submission:

Labcorp Genetics (formerly Invitae), Labcorp
Classification: Uncertain significance for Dystonic disorder. Last evaluated: 2025-10-21. Review status: criteria provided, single submitter. Criteria: Invitae Variant Classification Sherloc (09022015). Collection method: clinical testing. Allele origin: germline.
Comment: This sequence change falls in intron 5 of the ANO3 gene. It does not directly change the encoded amino acid sequence of the ANO3 protein. It affects a nucleotide within the consensus splice site. This variant is not present in population databases (gnomAD no frequency). This variant has not been reported in the literature in individuals affected with ANO3-related conditions. ClinVar contains an entry for this variant (Variation ID: 639759). Variants that disrupt the consensus splice site are a relatively common cause of aberrant splicing (PMID: 17576681, 9536098). Algorithms developed to predict the effect of sequence changes on RNA splicing suggest that this variant is not likely to affect RNA splicing. In summary, the available evidence is currently insufficient to determine the role of this variant in disease. Therefore, it has been classified as a Variant of Uncertain Significance.

Literature cited by the submitters: PubMed 17576681; PubMed 9536098.